The following is an entry in ClinVar:

NM_003001.5(SDHC):c.180-2A>G

Gene: SDHC (succinate dehydrogenase complex subunit C; plus strand). Cytogenetic location: 1q23.3.
Variant type: single nucleotide variant.
Coding change: c.180-2A>G on transcript NM_003001.5 (MANE Select); the canonical splice acceptor site of the intron before coding-DNA position 180, A replaced by G.
Molecular consequence: splice acceptor variant.
Genome position (GRCh38, 1-based): chr1:161,340,592, A>G. VCF-style: chr1-161340592-A-G. GRCh37 (hg19) VCF-style: chr1-161310382-A-G.
Other names: c.78-2A>G (NM_001035512.3, NM_001278172.3, NM_001407118.1); c.123-2A>G (NM_001407116.1, NM_001407121.1, NM_001407117.1); c.21-2A>G (NM_001035513.3); c.69-2A>G (NM_001407119.1, NM_001407120.1); c.300-2A>G (NM_001407115.1); c.180-2A>G (NM_001035511.3).
Identifiers: ClinVar variation 1504349 (VCV001504349.11), dbSNP rs1363265634, ClinGen allele CA343365564.

ClinVar aggregate classification (germline): Likely pathogenic. Review status: criteria provided, multiple submitters, no conflicts (2 of 4 stars). 3 submissions from 3 submitters: Likely pathogenic (3). Last evaluated 2023-04-10.

Conditions:
Hereditary cancer-predisposing syndrome. Also called: Tumor predisposition; Neoplastic Syndromes, Hereditary; Hereditary Cancer Syndrome; Hereditary neoplastic syndrome. Identifiers: Orphanet 140162, MedGen C0027672, MeSH D009386, MONDO:0015356.
Pheochromocytoma/paraganglioma syndrome 3. Also called: GLOMUS TUMORS, FAMILIAL, 3; Paragangliomas 3; SDHC-Related Hereditary Paraganglioma-Pheochromocytoma Syndrome (Paragangliomas 3); SDHC-Related Hereditary Paraganglioma-Pheochromocytoma Syndrome. Identifiers: Orphanet 29072, MedGen C1854336, MONDO:0011544, OMIM 605373.
Gastrointestinal stromal tumor. Also called: Gastrointestinal stromal tumor, somatic; Gastrointestinal stroma tumor. Identifiers: Orphanet 44890, MedGen C0238198, MeSH D046152, MONDO:0011719, OMIM 606764, HP:0100723.

Allele frequency attached by ClinVar (database versions not stated): gnomAD exomes below 0.00001.
gnomAD v4.1: 1 of 1,613,398 alleles (0.000062%); highest among the groups gnomAD compares: East Asian, 0.0022%; no homozygotes.

Submissions (3):

Myriad Genetics, Inc.
Classification: Likely pathogenic for Pheochromocytoma/paraganglioma syndrome 3. Last evaluated: 2023-04-10. Review status: criteria provided, single submitter. Criteria: Myriad Autosomal Dominant, Autosomal Recessive and X-Linked Classification Criteria (2023). Collection method: clinical testing. Allele origin: unknown.
Comment: This variant is considered likely pathogenic. This variant occurs within a consensus splice junction and is predicted to result in abnormal mRNA splicing of either an out-of-frame exon or an in-frame exon necessary for protein stability and/or normal function.

Ambry Genetics
Classification: Likely pathogenic for Hereditary cancer-predisposing syndrome. Last evaluated: 2022-07-12. Review status: criteria provided, single submitter. Criteria: Ambry Variant Classification Scheme 2023. Collection method: clinical testing. Allele origin: germline.
Comment: The c.180-2A>G intronic variant results from an A to G substitution two nucleotides upstream from coding exon 4 in the SDHC gene. This nucleotide position is highly conserved in available vertebrate species. In silico splice site analysis predicts that this alteration will weaken the native splice acceptor site. RNA studies have demonstrated that this alteration results in abnormal splicing in the set of samples tested (Ambry internal data). Alterations that disrupt the canonical splice site are expected to cause aberrant splicing, resulting in an abnormal protein or a transcript that is subject to nonsense-mediated mRNA decay. As such, this alteration is classified as likely pathogenic.

Labcorp Genetics (formerly Invitae), Labcorp
Classification: Likely pathogenic for Pheochromocytoma/paraganglioma syndrome 3; Gastrointestinal stromal tumor. Last evaluated: 2021-11-23. Review status: criteria provided, single submitter. Criteria: Invitae Variant Classification Sherloc (09022015). Collection method: clinical testing. Allele origin: germline.
Comment: This variant is present in population databases (no rsID available, gnomAD 0.006%). In summary, the currently available evidence indicates that the variant is pathogenic, but additional data are needed to prove that conclusively. Therefore, this variant has been classified as Likely Pathogenic. Studies have shown that disruption of this splice site results in skipping of exon 4 and exon 4-5 and introduces a premature termination codon (Invitae). The resulting mRNA is expected to undergo nonsense-mediated decay. This variant has not been reported in the literature in individuals affected with SDHC-related conditions. This sequence change affects an acceptor splice site in intron 3 of the SDHC gene. RNA analysis indicates that disruption of this splice site induces altered splicing and may result in an absent or disrupted protein product.